The following is an entry in ClinVar:

ClinVar aggregate classification (germline): Conflicting classifications of pathogenicity. Review status: criteria provided, conflicting classifications (1 of 4 stars). 2 submissions from 2 submitters: Uncertain significance (1); Likely benign (1). Last evaluated 2025-09-10.

Conditions:
Bloom syndrome (BLM). Also called: Bloom-Torre-Machacek syndrome. Identifiers: Orphanet 125, MedGen C0005859, MONDO:0008876, OMIM 210900.
Hereditary cancer-predisposing syndrome. Also called: Neoplastic Syndromes, Hereditary; Hereditary Cancer Syndrome; Hereditary neoplastic syndrome; Tumor predisposition. Identifiers: Orphanet 140162, MedGen C0027672, MeSH D009386, MONDO:0015356.

Submissions (2):

Labcorp Genetics (formerly Invitae), Labcorp
Classification: Uncertain significance for Bloom syndrome. Last evaluated: 2025-09-10. Review status: criteria provided, single submitter. Criteria: Invitae Variant Classification Sherloc (09022015). Collection method: clinical testing. Allele origin: germline.
Comment: This sequence change replaces valine, which is neutral and non-polar, with isoleucine, which is neutral and non-polar, at codon 711 of the BLM protein (p.Val711Ile). This variant is not present in population databases (gnomAD no frequency). This variant has not been reported in the literature in individuals affected with BLM-related conditions. ClinVar contains an entry for this variant (Variation ID: 1438783). Invitae Evidence Modeling of protein sequence and biophysical properties (such as structural, functional, and spatial information, amino acid conservation, physicochemical variation, residue mobility, and thermodynamic stability) indicates that this missense variant is not expected to disrupt BLM protein function with a negative predictive value of 80%. In summary, the available evidence is currently insufficient to determine the role of this variant in disease. Therefore, it has been classified as a Variant of Uncertain Significance.

Ambry Genetics
Classification: Likely benign for Hereditary cancer-predisposing syndrome. Last evaluated: 2022-04-25. Review status: criteria provided, single submitter. Criteria: Ambry Variant Classification Scheme 2023. Collection method: clinical testing. Allele origin: germline.

NM_000057.4(BLM):c.2131G>A (p.Val711Ile)

Gene: BLM (BLM RecQ like helicase; plus strand). Cytogenetic location: 15q26.1.
Variant type: single nucleotide variant.
Coding change: c.2131G>A on transcript NM_000057.4 (MANE Select); coding-DNA position 2131, G replaced by A.
Protein change: p.Val711Ile; replaces valine 711 with isoleucine.
Molecular consequence: missense variant.
Genome position (GRCh38, 1-based): chr15:90,765,352, G>A. VCF-style: chr15-90765352-G-A. GRCh37 (hg19) VCF-style: chr15-91308582-G-A.
Other names: c.2131G>A, p.Val711Ile (NM_001287246.2, NM_001287247.2); c.1006G>A, p.Val336Ile (NM_001287248.2); short protein forms V336I, V711I.
Identifiers: ClinVar variation 1438783 (VCV001438783.9), dbSNP rs2151162449, ClinGen allele CA393844622.